The following is an entry in ClinVar:

NM_000369.5(TSHR):c.692+209C>A

Genes: TSHR-AS1 (TSHR antisense RNA 1; minus strand), TSHR (thyroid stimulating hormone receptor; plus strand). Cytogenetic location: 14q31.1.
Variant type: single nucleotide variant.
Coding change: c.692+209C>A on transcript NM_000369.5 (MANE Select); 209 bases into the intron after coding-DNA position 692, C replaced by A.
Molecular consequence: intron variant. On other transcripts: missense variant (2).
Genome position (GRCh38, 1-based): chr14:81,108,661, C>A. VCF-style: chr14-81108661-C-A. GRCh37 (hg19) VCF-style: chr14-81575005-C-A.
Other names: c.742C>A, p.Arg248Ser (NM_001018036.3); c.805C>A, p.Arg269Ser (NM_001142626.3); short protein forms R248S, R269S.
Identifiers: ClinVar variation 135403 (VCV000135403.10), dbSNP rs3783941, ClinGen allele CA162658.
Genomic context (GRCh38, chr14:81,108,661, plus strand): 5'-TGGCTGTATAGGCTACCTCTTGGAAGAAAGTCCTTGTCCTTTGAGACTCAGAAGGCCCCA[C>A]GCTCCAGTATGCCATCATGATGCCTGCTAAGGCAGCCACCTTGGTGTACATGCTCACAGA-3'

ClinVar aggregate classification (germline): Benign/Likely benign. Review status: criteria provided, multiple submitters, no conflicts (2 of 4 stars). 9 submissions from 7 submitters: Benign (5); Likely benign (1). 3 of the submissions do not count toward it. Last evaluated 2024-11-27.

Conditions:
Familial gestational hyperthyroidism. Identifiers: Orphanet 99819, MedGen C1863959, MONDO:0011309, OMIM 603373.
Familial hyperthyroidism due to mutations in TSH receptor. Also called: TOXIC THYROID HYPERPLASIA, AUTOSOMAL DOMINANT; HYPERTHYROIDISM, CONGENITAL NONAUTOIMMUNE; HYPERTHYROIDISM, NONAUTOIMMUNE, AUTOSOMAL DOMINANT. Identifiers: Orphanet 424, MedGen C1836706, MONDO:0012203, OMIM 609152.
Hypothyroidism due to TSH receptor mutations. Also called: Hypothyroidism, congenital, nongoitrous, 1; HYPOTHYROIDISM DUE TO UNRESPONSIVENESS TO THYROTROPIN; HYPOTHYROIDISM, CONGENITAL, DUE TO TSH RESISTANCE; HYPOTHYROIDISM, NONAUTOIMMUNE; THYROID-STIMULATING HORMONE, RESISTANCE TO; TSH RESISTANCE. Identifiers: Orphanet 90673, MedGen C3493776, MONDO:0010142, OMIM 275200.

Allele frequency attached by ClinVar (database versions not stated): 1000 Genomes Project 30x 0.60759; 1000 Genomes Project 0.61022; gnomAD 0.62312; TOPMed 0.62868; ESP Exome Variant Server 0.64247.
gnomAD v4.1: 1,051,941 of 1,613,640 alleles (65%); highest among the groups gnomAD compares: South Asian, 73%; 345,806 homozygotes.

Submissions (9):

Blueprint Genetics
Classification: Likely benign. Last evaluated: 2024-11-27. Review status: criteria provided, single submitter. Criteria: ACMG Guidelines, 2015. Collection method: clinical testing. Allele origin: germline.

Genome-Nilou Lab
Classification: Benign for Familial gestational hyperthyroidism. Last evaluated: 2021-09-10. Review status: criteria provided, single submitter. Criteria: ACMG Guidelines, 2015. Collection method: clinical testing. Allele origin: germline. Affected: no.

Genome-Nilou Lab
Classification: Benign for Familial hyperthyroidism due to mutations in TSH receptor. Last evaluated: 2021-09-10. Review status: criteria provided, single submitter. Criteria: ACMG Guidelines, 2015. Collection method: clinical testing. Allele origin: germline. Affected: no.

Genome-Nilou Lab
Classification: Benign for Hypothyroidism due to TSH receptor mutations. Last evaluated: 2021-09-10. Review status: criteria provided, single submitter. Criteria: ACMG Guidelines, 2015. Collection method: clinical testing. Allele origin: germline. Affected: no.

GeneDx
Classification: Benign. Last evaluated: 2019-05-09. Review status: criteria provided, single submitter. Criteria: GeneDx Variant Classification Process June 2021. Collection method: clinical testing. Allele origin: germline. Affected: yes.

Breakthrough Genomics
Classification: Benign. Review status: criteria provided, single submitter. Criteria: ACMG Guidelines, 2015. Collection method: not provided. Allele origin: germline. Inheritance: Autosomal recessive inheritance. Affected: yes.

ITMI
No classification provided. Condition: AllHighlyPenetrant. Last evaluated: 2013-09-19. Review status: no classification provided. Collection method: reference population. Allele origin: germline. Not counted in ClinVar's aggregate classification.
Comment: Please see associated publication for description of ethnicities

Clinical Genetics, Academic Medical Center
Classification: Benign. Review status: no assertion criteria provided. Collection method: clinical testing. Allele origin: germline. Affected: yes. Study: VKGL Data-share Consensus. Not counted in ClinVar's aggregate classification.

Diagnostic Laboratory, Department of Genetics, University Medical Center Groningen
Classification: Benign. Review status: no assertion criteria provided. Collection method: clinical testing. Allele origin: germline. Affected: yes. Study: VKGL Data-share Consensus. Not counted in ClinVar's aggregate classification.

Literature cited by the submitters: PubMed 24728327 (cited by ITMI).